The following is an entry in ClinVar:

NM_000815.5(GABRD):c.182G>C (p.Gly61Ala)

Gene: GABRD (gamma-aminobutyric acid type A receptor subunit delta; plus strand). Cytogenetic location: 1p36.33.
Variant type: single nucleotide variant.
Coding change: c.182G>C on transcript NM_000815.5 (MANE Select); coding-DNA position 182, G replaced by C.
Protein change: p.Gly61Ala; replaces glycine 61 with alanine.
Molecular consequence: missense variant.
Genome position (GRCh38, 1-based): chr1:2,025,334, G>C. VCF-style: chr1-2025334-G-C. GRCh37 (hg19) VCF-style: chr1-1956773-G-C.
Other names: short protein forms G61A.
Identifiers: ClinVar variation 4975653 (VCV004975653.1).

ClinVar aggregate classification (germline): Uncertain significance (1 of 4 stars; one submission).

Submission:

GeneDx
Classification: Uncertain significance. Last evaluated: 2026-01-25. Review status: criteria provided, single submitter. Criteria: GeneDx Variant Classification Process June 2021. Collection method: clinical testing. Allele origin: germline.
Comment: Not observed at significant frequency in large population cohorts (gnomAD); In silico analysis supports that this missense variant has a deleterious effect on protein structure/function; Has not been previously published as pathogenic or benign to our knowledge